The following is an entry in ClinVar:

NM_001005498.4(RHBDF2):c.88A>G (p.Thr30Ala)

Gene: RHBDF2 (rhomboid 5 homolog 2; minus strand). Cytogenetic location: 17q25.1.
Variant type: single nucleotide variant.
Coding change: c.88A>G on transcript NM_001005498.4 (MANE Select); coding-DNA position 88, A replaced by G.
Protein change: p.Thr30Ala; replaces threonine 30 with alanine.
Molecular consequence: missense variant. On other transcripts: non-coding transcript variant (3).
Genome position (GRCh38, 1-based): chr17:76,481,437, T>C on the plus strand (A>G on the coding strand, the complement: RHBDF2 is on the minus strand). VCF-style: chr17-76481437-T-C. GRCh37 (hg19) VCF-style: chr17-74477519-T-C.
Other names: c.88A>G, p.Thr30Ala (NM_001376228.1, NM_001376229.1, NM_001376230.1 and 1 more transcripts); short protein forms T30A.
Identifiers: ClinVar variation 4883369 (VCV004883369.2).

ClinVar aggregate classification (germline): Uncertain significance (1 of 4 stars; one submission).

Submission:

Dasa
Classification: Uncertain significance. Last evaluated: 2025-06-25. Review status: criteria provided, single submitter. Criteria: DASA Assertion Criteria. Collection method: clinical testing. Allele origin: germline.
Comment: NM_001005498.4(RHBDF2):c.88A>G (p.Thr30Ala) is a missense variant that results in the substitution of threonine with alanine. This variant is absent from population databases. Computational prediction algorithms are consistent with a benign effect. The currently available literature and clinical evidence are not sufficient to establish a definitive association between this variant and the reported condition. Therefore, this variant is classified as a variant of uncertain significance.